The following is an entry in ClinVar:

ClinVar aggregate classification (germline): Likely pathogenic (1 of 4 stars; one submission).

Conditions:
Long chain 3-hydroxyacyl-CoA dehydrogenase deficiency. Also called: Deficiency of long-chain 3-hydroxyacyl-coenzyme A dehydrogenase; LCHAD Deficiency. Identifiers: Orphanet 5, MedGen C3711645, MONDO:0012173, OMIM 609016.

Submission:

Natera, Inc.
Classification: Likely pathogenic for Deficiency of long-chain 3-hydroxyacyl-coenzyme A dehydrogenase. Last evaluated: 2024-08-29. Review status: criteria provided, single submitter. Criteria: Natera Variant Classification Schema (03/2026). Collection method: clinical testing. Allele origin: germline.
Comment: The c.781_782del variant in HADHA is a frameshift variant predicted to shift the reading frame beginning at codon 261 and leads to a stop codon 34 codons downstream. This variant is expected to result in nonsense mediated decay, truncation, or a dysfunctional protein product. This variant is rare in the general population with a frequency below the threshold expected for the associated phenotype(s). Given the available evidence, this variant is classified as Likely Pathogenic.

NM_000182.5(HADHA):c.781_782del (p.Asp261fs)

Gene: HADHA (hydroxyacyl-CoA dehydrogenase trifunctional multienzyme complex subunit alpha; minus strand). Cytogenetic location: 2p23.3.
Variant type: Microsatellite.
Coding change: c.781_782del on transcript NM_000182.5 (MANE Select); coding-DNA positions 781 to 782, 2 bases deleted (GA; older notation c.781_782delGA).
Protein change: p.Asp261fs; shifts the reading frame from aspartic acid 261.
Molecular consequence: frameshift variant.
Genome position (GRCh38, 1-based): chr2:26,215,070-26,215,071, TC deleted on the plus strand (GA on the coding strand, the reverse complement: HADHA is on the minus strand); deleting any 2 consecutive bases within chr2:26,215,070-26,215,076 gives the same sequence; the c. name uses the placement nearest the transcript's 3' end. VCF-style (leftmost placement, unchanged base first): chr2-26215069-GTC-G. GRCh37 (hg19) VCF-style: chr2-26437938-GTC-G.
Other names: short protein forms D261fs.
Identifiers: ClinVar variation 4817876 (VCV004817876.1).